The following is an entry in ClinVar:

ClinVar aggregate classification (germline): Uncertain significance. Review status: criteria provided, multiple submitters, no conflicts (2 of 4 stars). 2 submissions from 2 submitters: Uncertain significance (2). Last evaluated 2024-01-14.

Conditions:
Charcot-Marie-Tooth disease type 4C (CMT4C). Also called: Charcot-Marie-Tooth Neuropathy Type 4C (CMT4C); CMT 4C; SH3TC2-Related Hereditary Motor and Sensory Neuropathy; CHARCOT-MARIE-TOOTH DISEASE, DEMYELINATING, TYPE 4C; CHARCOT-MARIE-TOOTH DISEASE, DEMYELINATING, AUTOSOMAL RECESSIVE, TYPE 4C. Identifiers: Orphanet 99949, MedGen C1866636, MONDO:0011113, OMIM 601596.

Submissions (2):

Kariminejad - Najmabadi Pathology & Genetics Center
Classification: Uncertain significance. Last evaluated: 2024-01-14. Review status: criteria provided, single submitter. Criteria: ACMG Guidelines, 2015. Collection method: clinical testing. Allele origin: germline. Inheritance: Autosomal recessive inheritance. Affected: yes.
Comment: PM2

Center for Human Genetics and Genomic Medicine, Uniklinik Rwth Aachen
Classification: Uncertain significance for Charcot-Marie-Tooth disease type 4C. Review status: criteria provided, single submitter. Criteria: ACMG Guidelines, 2015. Collection method: clinical testing. Allele origin: germline. Inheritance: Autosomal recessive inheritance. Affected: yes. Observed: 1 homozygote.

NM_024577.4(SH3TC2):c.2849G>T (p.Gly950Val)

Gene: SH3TC2 (SH3 domain and tetratricopeptide repeats 2; minus strand). Cytogenetic location: 5q32.
Variant type: single nucleotide variant.
Coding change: c.2849G>T on transcript NM_024577.4 (MANE Select); coding-DNA position 2849, G replaced by T.
Protein change: p.Gly950Val; replaces glycine 950 with valine.
Molecular consequence: missense variant.
Genome position (GRCh38, 1-based): chr5:149,026,883, C>A on the plus strand (G>T on the coding strand, the complement: SH3TC2 is on the minus strand). VCF-style: chr5-149026883-C-A. GRCh37 (hg19) VCF-style: chr5-148406446-C-A.
Other names: short protein forms G950V.
Identifiers: ClinVar variation 975104 (VCV000975104.4), dbSNP rs1754074456, ClinGen allele CA361665492.